The following is an entry in ClinVar:

NM_020751.3(COG6):c.260A>G (p.Asn87Ser)

Gene: COG6 (component of oligomeric golgi complex 6; plus strand). Cytogenetic location: 13q14.11.
Variant type: single nucleotide variant.
Coding change: c.260A>G on transcript NM_020751.3 (MANE Select); coding-DNA position 260, A replaced by G.
Protein change: p.Asn87Ser; replaces asparagine 87 with serine.
Molecular consequence: missense variant. On other transcripts: non-coding transcript variant (1).
Genome position (GRCh38, 1-based): chr13:39,659,470, A>G. VCF-style: chr13-39659470-A-G. GRCh37 (hg19) VCF-style: chr13-40233607-A-G.
Other names: c.260A>G, p.Asn87Ser (NM_001145079.2); short protein forms N87S.
Identifiers: ClinVar variation 312131 (VCV000312131.6), dbSNP rs751870618, ClinGen allele CA6958250.

ClinVar aggregate classification (germline): Uncertain significance. Review status: criteria provided, multiple submitters, no conflicts (2 of 4 stars). 2 submissions from 2 submitters: Uncertain significance (2). Last evaluated 2018-01-13.

Conditions:
COG6-congenital disorder of glycosylation. Also called: CONGENITAL DISORDER OF GLYCOSYLATION, TYPE IIl; CDG IIl; COG6-ongenital disorder of glycosylation; COG6-CGD. Identifiers: Orphanet 464443, MedGen C3553230, MONDO:0013810, OMIM 614576.

Allele frequency attached by ClinVar (database versions not stated): TOPMed below 0.00001; ExAC 0.00001; gnomAD exomes 0.00001.
gnomAD v4.1: 14 of 1,613,640 alleles (0.00087%); highest among the groups gnomAD compares: Admixed American, 0.0067%; no homozygotes.

Submissions (2):

Illumina Laboratory Services, Illumina
Classification: Uncertain significance for COG6-congenital disorder of glycosylation. Last evaluated: 2018-01-13. Review status: criteria provided, single submitter. Criteria: ICSL Variant Classification Criteria 13 December 2019. Collection method: clinical testing. Allele origin: germline.

GeneDx
Classification: Uncertain significance. Last evaluated: 2016-11-14. Review status: criteria provided, single submitter. Criteria: GeneDx Variant Classification (06012015). Collection method: clinical testing. Allele origin: germline. Affected: yes.
Comment: The N87S variant in the COG6 gene has not been reported previously as a pathogenic variant, nor as a benign variant, to our knowledge. The N87S variant was not observed at any significant frequency in approximately 6,500 individuals of European and African American ancestry in the NHLBI Exome Sequencing Project, indicating it is not a common benign variant in these populations. The N87S variant is a conservative amino acid substitution, which occurs at a position that is conserved across species. In silico analysis predicts this variant is probably damaging to the protein structure/function. We interpret N87S as a variant of uncertain significance.